The following is an entry in ClinVar:

NM_000051.4(ATM):c.72+10T>C

Gene: ATM (ATM serine/threonine kinase; plus strand). Cytogenetic location: 11q22.3.
Variant type: single nucleotide variant.
Coding change: c.72+10T>C on transcript NM_000051.4 (MANE Select); 10 bases into the intron after coding-DNA position 72, T replaced by C.
Molecular consequence: intron variant.
Genome position (GRCh38, 1-based): chr11:108,227,706, T>C. VCF-style: chr11-108227706-T-C. GRCh37 (hg19) VCF-style: chr11-108098433-T-C.
Other names: c.72+10T>C (NM_001351834.2, NM_001351835.2, NM_001351836.2).
Identifiers: ClinVar variation 3254010 (VCV003254010.1), dbSNP rs2135007546.

ClinVar aggregate classification (germline): Likely benign (1 of 4 stars; one submission).

Conditions:
Familial cancer of breast. Also called: BREAST CANCER, FAMILIAL; Hereditary breast cancer; hereditary breast carcinoma. Identifiers: Orphanet 227535, MedGen C0346153, MONDO:0016419, OMIM 114480. Disease mechanism: loss of function.

Submission:

Myriad Genetics, Inc.
Classification: Likely benign for Familial cancer of breast. Last evaluated: 2024-04-17. Review status: criteria provided, single submitter. Criteria: Myriad Autosomal Dominant, Autosomal Recessive and X-Linked Classification Criteria (2023). Collection method: clinical testing. Allele origin: unknown.
Comment: This variant is considered likely benign. This variant is intronic and is not expected to impact mRNA splicing.